The following is an entry in ClinVar:

NM_000836.4(GRIN2D):c.3704G>A (p.Arg1235His)

Gene: GRIN2D (glutamate ionotropic receptor NMDA type subunit 2D; plus strand). Cytogenetic location: 19q13.33.
Variant type: single nucleotide variant.
Coding change: c.3704G>A on transcript NM_000836.4 (MANE Select); coding-DNA position 3704, G replaced by A.
Protein change: p.Arg1235His; replaces arginine 1235 with histidine.
Molecular consequence: missense variant.
Genome position (GRCh38, 1-based): chr19:48,443,630, G>A. VCF-style: chr19-48443630-G-A. GRCh37 (hg19) VCF-style: chr19-48946887-G-A.
Other names: short protein forms R1235H.
Identifiers: ClinVar variation 1939276 (VCV001939276.5), dbSNP rs1469043309, ClinGen allele CA406677674.

ClinVar aggregate classification (germline): Uncertain significance (1 of 4 stars; one submission).

Allele frequency attached by ClinVar (database versions not stated): gnomAD exomes 0.00001.
gnomAD v4.1: 7 of 1,076,928 alleles (0.00065%); highest among the groups gnomAD compares: Non-Finnish European, 0.00078%; no homozygotes.

Submission:

Labcorp Genetics (formerly Invitae), Labcorp
Classification: Uncertain significance. Last evaluated: 2022-10-23. Review status: criteria provided, single submitter. Criteria: Invitae Variant Classification Sherloc (09022015). Collection method: clinical testing. Allele origin: germline.
Comment: The frequency data for this variant in the population databases is considered unreliable, as metrics indicate insufficient coverage at this position in the gnomAD database. This variant has not been reported in the literature in individuals affected with GRIN2D-related conditions. Advanced modeling of protein sequence and biophysical properties (such as structural, functional, and spatial information, amino acid conservation, physicochemical variation, residue mobility, and thermodynamic stability) performed at Invitae indicates that this missense variant is not expected to disrupt GRIN2D protein function. In summary, the available evidence is currently insufficient to determine the role of this variant in disease. Therefore, it has been classified as a Variant of Uncertain Significance. This sequence change replaces arginine, which is basic and polar, with histidine, which is basic and polar, at codon 1235 of the GRIN2D protein (p.Arg1235His).